The following is an entry in ClinVar:

ClinVar aggregate classification (germline): Likely pathogenic (1 of 4 stars; one submission).

Conditions:
Arrhythmogenic right ventricular dysplasia 10. Also called: ARRHYTHMOGENIC RIGHT VENTRICULAR DYSPLASIA, FAMILIAL, 10; Arrhythmogenic Right Ventricular Dysplasia/Cardiomyopathy10; Arrhythmogenic right ventricular dysplasia/cardiomyopathy, type 10. Identifiers: MedGen C1857777, MONDO:0012434, OMIM 610193.

Submission:

Labcorp Genetics (formerly Invitae), Labcorp
Classification: Likely pathogenic for Arrhythmogenic right ventricular cardiomyopathy, type 10. Last evaluated: 2019-07-06. Review status: criteria provided, single submitter. Criteria: Invitae Variant Classification Sherloc (09022015). Collection method: clinical testing. Allele origin: germline.
Comment: This variant is an in-frame deletion of the genomic region encompassing exon 3 of the DSG2 gene. It preserves the integrity of the reading frame. This variant has not been reported in the literature in individuals with DSG2-related conditions. This variant disrupts the p.Arg49 amino acid residue in DSG2. Other variant(s) that disrupt this residue have been determined to be pathogenic (PMID: 19151369, 28472724). This suggests that this residue is clinically significant, and that variants that disrupt this residue are likely to be disease-causing. In summary, the currently available evidence indicates that the variant is pathogenic, but additional data are needed to prove that conclusively. Therefore, this variant has been classified as Likely Pathogenic.

Literature cited by the submitters: PubMed 19151369; PubMed 28472724.

NC_000018.10:g.(?_31519793)_(31519947_?)del

Gene: DSG2 (desmoglein 2; plus strand). Cytogenetic location: 18q12.1.
Variant type: Deletion.
Identifiers: ClinVar variation 830428 (VCV000830428.1).